The following is an entry in ClinVar:

NM_004415.4(DSP):c.3085-1G>A

Gene: DSP (desmoplakin; plus strand). Cytogenetic location: 6p24.3.
Variant type: single nucleotide variant.
Coding change: c.3085-1G>A on transcript NM_004415.4 (MANE Select); the canonical splice acceptor site of the intron before coding-DNA position 3085, G replaced by A.
Molecular consequence: splice acceptor variant.
Genome position (GRCh38, 1-based): chr6:7,579,274, G>A. VCF-style: chr6-7579274-G-A. GRCh37 (hg19) VCF-style: chr6-7579507-G-A.
Other names: c.3085-1G>A (NM_001319034.2, NM_001008844.3).
Identifiers: ClinVar variation 3340824 (VCV003340824.1).

ClinVar aggregate classification (germline): Likely pathogenic (1 of 4 stars; one submission).

gnomAD v4.1: 1 of 1,614,060 alleles (0.000062%); highest among the groups gnomAD compares: Non-Finnish European, 0.000085%; no homozygotes.

Submission:

GeneDx
Classification: Likely pathogenic. Last evaluated: 2023-12-28. Review status: criteria provided, single submitter. Criteria: GeneDx Variant Classification Process June 2021. Collection method: clinical testing. Allele origin: germline. Affected: yes.
Comment: Canonical splice site variant predicted to result in an in-frame loss of the adjacent exon in a gene for which loss of function is a known mechanism of disease; Not observed at significant frequency in large population cohorts (gnomAD); Has not been previously published in association with DSP-related disorders to our knowledge; This variant is associated with the following publications: (PMID: 31638835)